The following is an entry in ClinVar:

NM_001330360.2(POLA1):c.4383C>T (p.Phe1461=)

Gene: POLA1 (DNA polymerase alpha 1, catalytic subunit; plus strand). Cytogenetic location: Xp21.3.
Variant type: single nucleotide variant.
Coding change: c.4383C>T on transcript NM_001330360.2 (MANE Select); coding-DNA position 4383, C replaced by T.
Protein change: p.Phe1461=; no amino-acid change (phenylalanine 1461 retained).
Molecular consequence: synonymous variant. On other transcripts: non-coding transcript variant (2).
Genome position (GRCh38, 1-based): chrX:24,995,926, C>T. VCF-style: chrX-24995926-C-T. GRCh37 (hg19) VCF-style: chrX-25014043-C-T.
Other names: c.4308C>T, p.Phe1436= (NM_001378303.1); c.4365C>T, p.Phe1455= (NM_016937.4); c.4365C>T (NM_016937.3).
Identifiers: ClinVar variation 1615797 (VCV001615797.12), dbSNP rs150514156, ClinGen allele CA10373744.

ClinVar aggregate classification (germline): Likely benign. Review status: criteria provided, multiple submitters, no conflicts (2 of 4 stars). 4 submissions from 4 submitters: Likely benign (3). 1 of the submissions does not count toward it. Last evaluated 2025-11-03.

Conditions:
X-linked reticulate pigmentary disorder. Also called: Pigmentary disorder, reticulate, with systemic manifestations, X-linked. Identifiers: Orphanet 85453, MedGen C1845050, MONDO:0010523, OMIM 301220.
X-linked intellectual disability, van Esch type. Also called: MENTAL RETARDATION, X-LINKED, SYNDROMIC, VAN ESCH-O''DRISCOLL TYPE; Van Esch-O'Driscoll syndrome. Identifiers: Orphanet 163976, MedGen C4305072, MONDO:0015601, OMIM 301030.
POLA1-related disorder. Also called: POLA1-related condition.

Allele frequency attached by ClinVar (database versions not stated): gnomAD exomes 0.00003 and 0.00005; ExAC 0.00007; gnomAD 0.00011 and 0.00013; TOPMed 0.00019; ESP Exome Variant Server 0.00047.
gnomAD v4.1: 47 of 1,208,383 alleles (0.0039%); highest among the groups gnomAD compares: African/African-American, 0.037%; no homozygotes.

Submissions (4):

Labcorp Genetics (formerly Invitae), Labcorp
Classification: Likely benign. Last evaluated: 2025-11-03. Review status: criteria provided, single submitter. Criteria: Invitae Variant Classification Sherloc (09022015). Collection method: clinical testing. Allele origin: germline.

Blueprint Genetics
Classification: Likely benign. Last evaluated: 2023-10-11. Review status: criteria provided, single submitter. Criteria: ACMG Guidelines, 2015. Collection method: clinical testing. Allele origin: germline.

Fulgent Genetics
Classification: Likely benign for X-linked intellectual disability, van Esch type; X-linked reticulate pigmentary disorder. Last evaluated: 2021-10-18. Review status: criteria provided, single submitter. Criteria: ACMG Guidelines, 2015. Collection method: clinical testing. Allele origin: unknown.

PreventionGenetics, part of Exact Sciences
Classification: Likely benign for POLA1-related condition. Last evaluated: 2019-06-06. Review status: no assertion criteria provided. Collection method: clinical testing. Allele origin: germline. Not counted in ClinVar's aggregate classification.
Comment: This variant is classified as likely benign based on ACMG/AMP sequence variant interpretation guidelines (Richards et al. 2015 PMID: 25741868, with internal and published modifications).